The following is an entry in ClinVar:

NM_005502.4(ABCA1):c.3455T>A (p.Leu1152Gln)

Gene: ABCA1 (ATP binding cassette subfamily A member 1; minus strand). Cytogenetic location: 9q31.1.
Variant type: single nucleotide variant.
Coding change: c.3455T>A on transcript NM_005502.4 (MANE Select); coding-DNA position 3455, T replaced by A.
Protein change: p.Leu1152Gln; replaces leucine 1152 with glutamine.
Molecular consequence: missense variant.
Genome position (GRCh38, 1-based): chr9:104,818,670, A>T on the plus strand (T>A on the coding strand, the complement: ABCA1 is on the minus strand). VCF-style: chr9-104818670-A-T. GRCh37 (hg19) VCF-style: chr9-107580951-A-T.
Other names: short protein forms L1152Q.
Identifiers: ClinVar variation 4233837 (VCV004233837.1).
Genomic context (GRCh38, chr9:104,818,670, plus strand): 5'-AAGTCCTGGCTGCCCAGACCCAACACCAGCCCAGCACCAAGACTGCAGCTCACCTTTTTC[A>T]GGTATGACACAGTGCTACTACTGTTTCTGCAGGAACTGAGGGAGGATTCCACATCTTTCT-3'
Protein context (NP_005493.2, residues 1142-1162): CRNSSSTVSY[Leu1152Gln]KKEDSVSQSS

ClinVar aggregate classification (germline): Uncertain significance (1 of 4 stars; one submission).

Conditions:
Cardiovascular phenotype. Identifiers: MedGen CN230736.

Submission:

Ambry Genetics
Classification: Uncertain significance for Cardiovascular phenotype. Last evaluated: 2025-07-06. Review status: criteria provided, single submitter. Criteria: Ambry Variant Classification Scheme 2023. Collection method: clinical testing. Allele origin: germline.
Comment: The p.L1152Q variant (also known as c.3455T>A), located in coding exon 22 of the ABCA1 gene, results from a T to A substitution at nucleotide position 3455. The leucine at codon 1152 is replaced by glutamine, an amino acid with dissimilar properties. This amino acid position is conserved. In addition, the in silico prediction for this alteration is inconclusive. Based on the available evidence, the clinical significance of this variant remains unclear.